The following is an entry in ClinVar:

ClinVar aggregate classification (germline): Likely benign. Review status: criteria provided, multiple submitters, no conflicts (2 of 4 stars). 2 submissions from 2 submitters: Likely benign (2). Last evaluated 2024-08-09.

Conditions:
Familial cancer of breast. Also called: BREAST CANCER, FAMILIAL; Hereditary breast cancer; hereditary breast carcinoma. Identifiers: Orphanet 227535, MedGen C0346153, MONDO:0016419, OMIM 114480. Disease mechanism: loss of function.
Fanconi anemia complementation group J. Also called: BRIP1-Related Fanconi Anemia. Identifiers: Orphanet 84, MedGen C1836860, MONDO:0012187, OMIM 609054.

Submissions (2):

Myriad Genetics, Inc.
Classification: Likely benign for Familial cancer of breast. Last evaluated: 2024-08-09. Review status: criteria provided, single submitter. Criteria: Myriad Autosomal Dominant, Autosomal Recessive and X-Linked Classification Criteria (2023). Collection method: clinical testing. Allele origin: unknown.
Comment: This variant is considered likely benign. This variant is intronic and is not expected to impact mRNA splicing.

Labcorp Genetics (formerly Invitae), Labcorp
Classification: Likely benign for Familial cancer of breast; Fanconi anemia complementation group J. Last evaluated: 2023-08-03. Review status: criteria provided, single submitter. Criteria: Invitae Variant Classification Sherloc (09022015). Collection method: clinical testing. Allele origin: germline.

NM_032043.3(BRIP1):c.206-9C>T

Gene: BRIP1 (BRCA1 interacting DNA helicase 1; minus strand). Cytogenetic location: 17q23.2.
Variant type: single nucleotide variant.
Coding change: c.206-9C>T on transcript NM_032043.3 (MANE Select); 9 bases into the intron before coding-DNA position 206, C replaced by T.
Molecular consequence: intron variant.
Genome position (GRCh38, 1-based): chr17:61,857,240, G>A on the plus strand (C>T on the coding strand, the complement: BRIP1 is on the minus strand). VCF-style: chr17-61857240-G-A. GRCh37 (hg19) VCF-style: chr17-59934601-G-A.
Identifiers: ClinVar variation 2938772 (VCV002938772.4), dbSNP rs1193647766, ClinGen allele CA2733661167.